The following is an entry in ClinVar:

ClinVar aggregate classification (germline): Uncertain significance (1 of 4 stars; one submission).

Conditions:
Cutis laxa, X-linked (OHS). Also called: EDS IX; Occipital horn syndrome. Identifiers: Orphanet 198, MedGen C0268353, MONDO:0010572, OMIM 304150.
X-linked distal spinal muscular atrophy type 3. Also called: ATP7A-Related Distal Motor Neuropathy; NEURONOPATHY, DISTAL HEREDITARY MOTOR, X-LINKED; NEUROPATHY, DISTAL HEREDITARY MOTOR, X-LINKED; SPINAL MUSCULAR ATROPHY, DISTAL, X-LINKED RECESSIVE. Identifiers: Orphanet 139557, MedGen C1845359, MONDO:0010338, OMIM 300489.
Menkes kinky-hair syndrome (MNK). Also called: Classic Menkes Disease; Menkes Disease; Copper transport disease. Identifiers: Orphanet 565, MedGen C0022716, MONDO:0010651, OMIM 309400.

Submission:

Labcorp Genetics (formerly Invitae), Labcorp
Classification: Uncertain significance for X-linked distal spinal muscular atrophy type 3; Cutis laxa, X-linked; Menkes kinky-hair syndrome. Last evaluated: 2018-11-28. Review status: criteria provided, single submitter. Criteria: Invitae Variant Classification Sherloc (09022015). Collection method: clinical testing. Allele origin: germline.
Comment: In summary, the available evidence is currently insufficient to determine the role of this variant in disease. Therefore, it has been classified as a Variant of Uncertain Significance. Nucleotide substitutions within the consensus splice site are a relatively common cause of aberrant splicing (PMID: 17576681, 9536098). Algorithms developed to predict the effect of sequence changes on RNA splicing suggest that this variant may disrupt the consensus splice site, but this prediction has not been confirmed by published transcriptional studies. This variant has not been reported in the literature in individuals with ATP7A-related conditions. This variant is not present in population databases (ExAC no frequency). This sequence change falls in intron 11 of the ATP7A gene. It does not directly change the encoded amino acid sequence of the ATP7A protein, but it affects a nucleotide within the consensus splice site of the intron.

Literature cited by the submitters: PubMed 17576681; PubMed 9536098.

NM_000052.7(ATP7A):c.2498+3A>T

Gene: ATP7A (ATPase copper transporting alpha; plus strand). Cytogenetic location: Xq21.1.
Variant type: single nucleotide variant.
Coding change: c.2498+3A>T on transcript NM_000052.7 (MANE Select); 3 bases into the intron after coding-DNA position 2498, A replaced by T.
Molecular consequence: intron variant.
Genome position (GRCh38, 1-based): chrX:78,014,756, A>T. VCF-style: chrX-78014756-A-T. GRCh37 (hg19) VCF-style: chrX-77270253-A-T.
Other names: c.2264+3A>T (NM_001282224.2).
Identifiers: ClinVar variation 665001 (VCV000665001.7), dbSNP rs1603386005, ClinGen allele CA915951252.